The following is an entry in ClinVar:

NM_001252024.2(TRPM1):c.532T>G (p.Ser178Ala)

Gene: TRPM1 (transient receptor potential cation channel subfamily M member 1; minus strand). Cytogenetic location: 15q13.3.
Variant type: single nucleotide variant.
Coding change: c.532T>G on transcript NM_001252024.2 (MANE Select); coding-DNA position 532, T replaced by G.
Protein change: p.Ser178Ala; replaces serine 178 with alanine.
Molecular consequence: missense variant.
Genome position (GRCh38, 1-based): chr15:31,067,149, A>C on the plus strand (T>G on the coding strand, the complement: TRPM1 is on the minus strand). VCF-style: chr15-31067149-A-C. GRCh37 (hg19) VCF-style: chr15-31359352-A-C.
Other names: c.583T>G, p.Ser195Ala (NM_001252020.2); c.466T>G, p.Ser156Ala (NM_002420.6); short protein forms S195A, S178A, S156A.
Identifiers: ClinVar variation 1934328 (VCV001934328.5), dbSNP rs2504215613, ClinGen allele CA391533705.

ClinVar aggregate classification (germline): Uncertain significance (1 of 4 stars; one submission).

Allele frequency attached by ClinVar (database versions not stated): gnomAD exomes below 0.00001.
gnomAD v4.1: 1 of 1,614,112 alleles (0.000062%); highest among the groups gnomAD compares: Non-Finnish European, 0.000085%; no homozygotes.

Submission:

Labcorp Genetics (formerly Invitae), Labcorp
Classification: Uncertain significance. Last evaluated: 2022-05-01. Review status: criteria provided, single submitter. Criteria: Invitae Variant Classification Sherloc (09022015). Collection method: clinical testing. Allele origin: germline.
Comment: In summary, the available evidence is currently insufficient to determine the role of this variant in disease. Therefore, it has been classified as a Variant of Uncertain Significance. Algorithms developed to predict the effect of missense changes on protein structure and function (SIFT, PolyPhen-2, Align-GVGD) all suggest that this variant is likely to be tolerated. This variant has not been reported in the literature in individuals affected with TRPM1-related conditions. This variant is not present in population databases (gnomAD no frequency). This sequence change replaces serine, which is neutral and polar, with alanine, which is neutral and non-polar, at codon 156 of the TRPM1 protein (p.Ser156Ala).